The following is an entry in ClinVar:

NM_000492.4(CFTR):c.3874-105T>G

Gene: CFTR (CF transmembrane conductance regulator; plus strand). Cytogenetic location: 7q31.2.
Variant type: single nucleotide variant.
Coding change: c.3874-105T>G on transcript NM_000492.4 (MANE Select); 105 bases into the intron before coding-DNA position 3874, T replaced by G.
Molecular consequence: intron variant.
Genome position (GRCh38, 1-based): chr7:117,652,737, T>G. VCF-style: chr7-117652737-T-G. GRCh37 (hg19) VCF-style: chr7-117292791-T-G.
Identifiers: ClinVar variation 818089 (VCV000818089.1), dbSNP rs1584842682, ClinGen allele CA915945450.

ClinVar aggregate classification (germline): Benign (1 of 4 stars; one submission).

Conditions:
Cystic fibrosis (CF). Also called: MUCOVISCIDOSIS. Identifiers: Orphanet 586, MedGen C0010674, MONDO:0009061, OMIM 219700. Disease mechanism: loss of function.

Submission:

CFTR-France
Classification: Benign for cystic fibrosis. Last evaluated: 2018-01-29. Review status: criteria provided, single submitter. Criteria: Claustres M et al. (Hum Mutat 2017). Collection method: curation. Allele origin: germline. Affected: yes and no.
Comment: the variant does not result in CFTR-RD neither